The following is an entry in ClinVar:

ClinVar aggregate classification (germline): Uncertain significance. Review status: criteria provided, multiple submitters, no conflicts (2 of 4 stars). 2 submissions from 2 submitters: Uncertain significance (2). Last evaluated 2025-07-08.

Allele frequency attached by ClinVar (database versions not stated): ExAC 0.00001; gnomAD 0.00001; gnomAD exomes 0.00001; TOPMed 0.00001.
gnomAD v4.1: 16 of 1,606,278 alleles (0.001%); highest among the groups gnomAD compares: Middle Eastern, 0.016%; no homozygotes.

Submissions (2):

Labcorp Genetics (formerly Invitae), Labcorp
Classification: Uncertain significance. Last evaluated: 2025-07-08. Review status: criteria provided, single submitter. Criteria: Invitae Variant Classification Sherloc (09022015). Collection method: clinical testing. Allele origin: germline.
Comment: This sequence change affects codon 117 of the PITPNM3 mRNA. It is a 'silent' change, meaning that it does not change the encoded amino acid sequence of the PITPNM3 protein. This variant also falls at the last nucleotide of exon 5, which is part of the consensus splice site for this exon. This variant is present in population databases (rs776051688, gnomAD 0.0009%). This variant has not been reported in the literature in individuals affected with PITPNM3-related conditions. ClinVar contains an entry for this variant (Variation ID: 1060294). Variants that disrupt the consensus splice site are a relatively common cause of aberrant splicing (PMID: 17576681, 9536098). Algorithms developed to predict the effect of sequence changes on RNA splicing suggest that this variant may disrupt the consensus splice site. In summary, the available evidence is currently insufficient to determine the role of this variant in disease. Therefore, it has been classified as a Variant of Uncertain Significance.

Blueprint Genetics
Classification: Uncertain significance. Last evaluated: 2023-12-28. Review status: criteria provided, single submitter. Criteria: ACMG Guidelines, 2015. Collection method: clinical testing. Allele origin: germline.

Literature cited by the submitters: PubMed 17576681 (cited by Labcorp Genetics (formerly Invitae), Labcorp); PubMed 9536098 (cited by Labcorp Genetics (formerly Invitae), Labcorp).

NM_031220.4(PITPNM3):c.351G>A (p.Glu117=)

Gene: PITPNM3 (PITPNM family member 3; minus strand). Cytogenetic location: 17p13.2.
Variant type: single nucleotide variant.
Coding change: c.351G>A on transcript NM_031220.4 (MANE Select); coding-DNA position 351, G replaced by A.
Protein change: p.Glu117=; no amino-acid change (glutamic acid 117 retained).
Molecular consequence: synonymous variant.
Genome position (GRCh38, 1-based): chr17:6,484,216, C>T on the plus strand (G>A on the coding strand, the complement: PITPNM3 is on the minus strand). VCF-style: chr17-6484216-C-T. GRCh37 (hg19) VCF-style: chr17-6387536-C-T.
Other names: c.243G>A, p.Glu81= (NM_001165966.2).
Identifiers: ClinVar variation 1060294 (VCV001060294.8), dbSNP rs776051688, ClinGen allele CA8329865.